The following is an entry in ClinVar:

NM_001130987.2(DYSF):c.2530A>T (p.Lys844Ter)

Gene: DYSF (dysferlin; plus strand). Cytogenetic location: 2p13.2.
Variant type: single nucleotide variant.
Coding change: c.2530A>T on transcript NM_001130987.2 (MANE Select); coding-DNA position 2530, A replaced by T.
Protein change: p.Lys844Ter; replaces lysine 844 with a stop codon.
Molecular consequence: nonsense.
Genome position (GRCh38, 1-based): chr2:71,564,178, A>T. VCF-style: chr2-71564178-A-T. GRCh37 (hg19) VCF-style: chr2-71791308-A-T.
Other names: c.2479A>T, p.Lys827Ter (NM_001130455.2, NM_001130983.2); c.2434A>T, p.Lys812Ter (NM_001130976.2, NM_001130977.2); c.2476A>T, p.Lys826Ter (NM_001130978.2, NM_003494.4); c.2569A>T, p.Lys857Ter (NM_001130979.2); c.2527A>T, p.Lys843Ter (NM_001130980.2, NM_001130981.2); c.2572A>T, p.Lys858Ter (NM_001130982.2); c.2437A>T, p.Lys813Ter (NM_001130984.2, NM_001130986.2); c.2530A>T, p.Lys844Ter (NM_001130985.2); short protein forms K812*, K813*, K826*, K827*, K843*, K844*, K857*, K858*.
Identifiers: ClinVar variation 1725376 (VCV001725376.3), dbSNP rs2545770353, ClinGen allele CA347211719.

ClinVar aggregate classification (germline): Likely pathogenic (1 of 4 stars; one submission).

Conditions:
Autosomal recessive limb-girdle muscular dystrophy. Identifiers: Orphanet 102015, MedGen C2931907, MONDO:0015152.

Submission:

Myriad Genetics, Inc.
Classification: Likely pathogenic for Autosomal recessive limb-girdle muscular dystrophy. Last evaluated: 2022-03-17. Review status: criteria provided, single submitter. Criteria: Myriad Autosomal Dominant, Autosomal Recessive and X-Linked Classification Criteria (2023). Collection method: clinical testing. Allele origin: unknown.
Comment: NM_003494.3(DYSF):c.2476A>T(K826*) is expected to be pathogenic in the context of dysferlinopathy. This variant is predicted to lead to an abnormal or absent protein product due to the creation of a premature termination codon in DYSF, a gene where loss-of-function variants are known to be pathogenic. Please note: this variant was assessed in the context of healthy population screening.